The following is an entry in ClinVar:

ClinVar aggregate classification (germline): Uncertain significance (1 of 4 stars; one submission).

Conditions:
Hereditary cancer-predisposing syndrome. Also called: Neoplastic Syndromes, Hereditary; Tumor predisposition; Hereditary Cancer Syndrome; Hereditary neoplastic syndrome. Identifiers: Orphanet 140162, MedGen C0027672, MeSH D009386, MONDO:0015356.
Cardiovascular phenotype. Identifiers: MedGen CN230736.

Submission:

Ambry Genetics
Classification: Uncertain significance for Cardiovascular phenotype; Hereditary cancer-predisposing syndrome. Last evaluated: 2022-03-28. Review status: criteria provided, single submitter. Criteria: Ambry Variant Classification Scheme 2023. Collection method: clinical testing. Allele origin: germline.
Comment: The c.1952_1954delTAC variant (also known as p.L651del) is located in coding exon 17 of the NF1 gene. This variant results from an in-frame TAC deletion at nucleotide positions 1952 to 1954. This results in the in-frame deletion of a leucine at codon 651. This amino acid position is well conserved in available vertebrate species. In addition, this alteration is predicted to be neutral by in silico analysis (Choi Y et al. PLoS ONE. 2012; 7(10):e46688). Since supporting evidence is limited at this time, the clinical significance of this alteration remains unclear.

NM_001042492.3(NF1):c.1949TAC[1] (p.Leu651del)

Gene: NF1 (neurofibromin 1; plus strand). Cytogenetic location: 17q11.2.
Variant type: Microsatellite.
Coding change: c.1949TAC[1] on transcript NM_001042492.3 (MANE Select); one copy of the 3-base unit TAC starting at c.1949; the reference has two copies in a row; one copy, 3 bases deleted.
Protein change: p.Leu651del; deletes leucine 651.
Molecular consequence: inframe deletion. On other transcripts: inframe indel (1).
Genome position (GRCh38, 1-based): chr17:31,225,201-31,225,203, TAC deleted; deleting any 3 consecutive bases within chr17:31,225,198-31,225,203 gives the same sequence; the position shown is the placement nearest the transcript's 3' end. VCF-style (leftmost placement, unchanged base first): chr17-31225197-TTAC-T. GRCh37 (hg19) VCF-style: chr17-29552215-TTAC-T.
Other names: c.1952_1954delTAC (NM_000267.3); c.1949_1951TAC[1], p.Leu651del (NM_000267.4); short protein forms L651del.
Identifiers: ClinVar variation 1783250 (VCV001783250.2), dbSNP rs2508142154, ClinGen allele CA2580614052.